The following is an entry in ClinVar:

ClinVar aggregate classification (germline): Likely benign. Review status: criteria provided, single submitter (1 of 4 stars). 2 submissions from 2 submitters: Likely benign (1). 1 of the submissions does not count toward it. Last evaluated 2025-08-24.

Conditions:
TNFRSF1A-related disorder. Also called: TNFRSF1A-related condition.
TNF receptor-associated periodic fever syndrome (TRAPS) (FPF). Also called: FAMILIAL HIBERNIAN FEVER; TNF RECEPTOR-ASSOCIATED PERIODIC SYNDROME; TUMOR NECROSIS FACTOR RECEPTOR-ASSOCIATED PERIODIC SYNDROME; Autosomal Dominant Familial Periodic Fever; TNF Receptor-Associated Periodic Fever Syndrome; TNF receptor 1-associated periodic fever syndrome. Identifiers: Orphanet 32960, MedGen C1275126, MONDO:0007727, OMIM 142680.

Submissions (2):

Labcorp Genetics (formerly Invitae), Labcorp
Classification: Likely benign for TNF receptor-associated periodic fever syndrome (TRAPS). Last evaluated: 2025-08-24. Review status: criteria provided, single submitter. Criteria: Invitae Variant Classification Sherloc (09022015). Collection method: clinical testing. Allele origin: germline.

PreventionGenetics, part of Exact Sciences
Classification: Likely benign for TNFRSF1A-related condition. Last evaluated: 2021-01-20. Review status: no assertion criteria provided. Collection method: clinical testing. Allele origin: germline. Not counted in ClinVar's aggregate classification.
Comment: This variant is classified as likely benign based on ACMG/AMP sequence variant interpretation guidelines (Richards et al. 2015 PMID: 25741868, with internal and published modifications).

NM_001065.4(TNFRSF1A):c.1083C>A (p.Ala361=)

Gene: TNFRSF1A (TNF receptor superfamily member 1A; minus strand). Cytogenetic location: 12p13.31.
Variant type: single nucleotide variant.
Coding change: c.1083C>A on transcript NM_001065.4 (MANE Select); coding-DNA position 1083, C replaced by A.
Protein change: p.Ala361=; no amino-acid change (alanine 361 retained).
Molecular consequence: synonymous variant. On other transcripts: non-coding transcript variant (1).
Genome position (GRCh38, 1-based): chr12:6,329,597, G>T on the plus strand (C>A on the coding strand, the complement: TNFRSF1A is on the minus strand). VCF-style: chr12-6329597-G-T. GRCh37 (hg19) VCF-style: chr12-6438763-G-T.
Other names: c.759C>A, p.Ala253= (NM_001346091.2); c.624C>A, p.Ala208= (NM_001346092.2).
Identifiers: ClinVar variation 3030542 (VCV003030542.3), dbSNP rs746923911, ClinGen allele CA478504688.